The following is an entry in ClinVar:

NM_004606.5(TAF1):c.4460A>G (p.Asp1487Gly)

Gene: TAF1 (TATA-box binding protein associated factor 1; plus strand). Cytogenetic location: Xq13.1.
Variant type: single nucleotide variant.
Coding change: c.4460A>G on transcript NM_004606.5 (MANE Select); coding-DNA position 4460, A replaced by G.
Protein change: p.Asp1487Gly; replaces aspartic acid 1487 with glycine.
Molecular consequence: missense variant. On other transcripts: non-coding transcript variant (9).
Genome position (GRCh38, 1-based): chrX:71,423,124, A>G. VCF-style: chrX-71423124-A-G. GRCh37 (hg19) VCF-style: chrX-70642974-A-G.
Other names: c.4460A>G, p.Asp1487Gly (NM_001286074.2, NM_001440852.1, NM_001440853.1); c.4397A>G, p.Asp1466Gly (NM_001440854.1, NM_138923.4); short protein forms D1487G, D1466G.
Identifiers: ClinVar variation 4632566 (VCV004632566.1).

ClinVar aggregate classification (germline): Uncertain significance (1 of 4 stars; one submission).

Conditions:
Inborn genetic diseases. Identifiers: MedGen C0950123, MeSH D030342.

Submission:

Ambry Genetics
Classification: Uncertain significance for Inborn genetic diseases. Last evaluated: 2025-12-08. Review status: criteria provided, single submitter. Criteria: Ambry Variant Classification Scheme 2023. Collection method: clinical testing. Allele origin: germline.
Comment: The c.4520A>G (p.D1507G) alteration is located in exon 30 (coding exon 30) of the TAF1 gene. This alteration results from a A to G substitution at nucleotide position 4520, causing the aspartic acid (D) at amino acid position 1507 to be replaced by a glycine (G). Based on data from gnomAD, the G allele has an overall frequency of <0.001% (0/22008) total alleles studied. The highest observed frequency was <0.001% (/) of alleles. Based on insufficient or conflicting evidence, the clinical significance of this alteration remains unclear.